The following is an entry in ClinVar:

ClinVar aggregate classification (germline): Likely benign (0 of 4 stars; one submission).

Conditions:
NRP1-related disorder. Also called: NRP1-related condition.

Allele frequency attached by ClinVar (database versions not stated): ExAC 0.00001; TOPMed 0.00003.
gnomAD v4.1: 19 of 1,614,040 alleles (0.0012%); highest among the groups gnomAD compares: South Asian, 0.0022%; no homozygotes.

Submission:

PreventionGenetics, part of Exact Sciences
Classification: Likely benign for NRP1-related condition. Last evaluated: 2022-09-15. Review status: no assertion criteria provided. Collection method: clinical testing. Allele origin: germline.
Comment: This variant is classified as likely benign based on ACMG/AMP sequence variant interpretation guidelines (Richards et al. 2015 PMID: 25741868, with internal and published modifications).

NM_003873.7(NRP1):c.1095C>T (p.Asn365=)

Gene: NRP1 (neuropilin 1; minus strand). Cytogenetic location: 10p11.22.
Variant type: single nucleotide variant.
Coding change: c.1095C>T on transcript NM_003873.7 (MANE Select); coding-DNA position 1095, C replaced by T.
Protein change: p.Asn365=; no amino-acid change (asparagine 365 retained).
Molecular consequence: synonymous variant. On other transcripts: non-coding transcript variant (1).
Genome position (GRCh38, 1-based): chr10:33,226,176, G>A on the plus strand (C>T on the coding strand, the complement: NRP1 is on the minus strand). VCF-style: chr10-33226176-G-A. GRCh37 (hg19) VCF-style: chr10-33515104-G-A.
Other names: c.1095C>T, p.Asn365= (NM_001024628.3, NM_001024629.3, NM_001244972.2 and 2 more transcripts).
Identifiers: ClinVar variation 3059235 (VCV003059235.2), dbSNP rs767999607, ClinGen allele CA5466739.